The following is an entry in ClinVar:

NM_205861.3(DHDDS):c.110G>A (p.Arg37His)

Gene: DHDDS (dehydrodolichyl diphosphate synthase subunit; plus strand). Cytogenetic location: 1p36.11.
Variant type: single nucleotide variant.
Coding change: c.110G>A on transcript NM_205861.3 (MANE Select); coding-DNA position 110, G replaced by A.
Protein change: p.Arg37His; replaces arginine 37 with histidine.
Molecular consequence: missense variant. On other transcripts: 5 prime UTR variant (1).
Genome position (GRCh38, 1-based): chr1:26,438,214, G>A. VCF-style: chr1-26438214-G-A. GRCh37 (hg19) VCF-style: chr1-26764705-G-A.
Other names: c.110G>A, p.Arg37His (NM_001243564.2, NM_001243565.2, NM_024887.4); c.-193G>A (NM_001319959.2); short protein forms R37H.
Identifiers: ClinVar variation 451635 (VCV000451635.27), dbSNP rs1553121073, ClinGen allele CA339138678.

ClinVar aggregate classification (germline): Pathogenic/Likely pathogenic. Review status: criteria provided, multiple submitters, no conflicts (2 of 4 stars). 12 submissions from 12 submitters: Pathogenic (9); Likely pathogenic (2). 1 of the submissions does not count toward it. Last evaluated 2026-03-31.

Conditions:
Retinitis pigmentosa 59 (RP59). Identifiers: Orphanet 791, MedGen C3151227, MONDO:0013468, OMIM 613861.
Developmental delay and seizures with or without movement abnormalities. Identifiers: MedGen C4693376, MONDO:0044326, OMIM 617836.

Submissions (12):

Prenatal Diagnosis Center, The Second Hospital of Hebei Medical University
Classification: Pathogenic for Developmental delay and seizures with or without movement abnormalities. Last evaluated: 2026-03-31. Review status: criteria provided, single submitter. Criteria: ACMG Guidelines, 2015. Collection method: clinical testing. Allele origin: de novo. Inheritance: Autosomal dominant inheritance. Affected: yes.
Comment: The c.110G>A variant, one of the most common missense mutations in the DHDDS gene, has been reported in at least 10 patients with DHDDS-related neurodevelopmental disorders, all of which are de novo mutations (PMID: 34382076, 34275143, 29100083). This variant results in the replacement of arginine with histidine and is located at a highly evolutionarily conserved site, which has not been identified in the 1000 Genome, ExAC and Genome Aggregation Database (gnomAD). In addition, existing functional studies have shown that the c.110G>A variant leads to a significant reduction in aspartase activity (PMID:33077723). Bioinformatics predictions using Provean, Polyphen2, Sift, Mutationtaster, and REVEL all suggested potential protein structural damage. Therefore, this variant has been classified as Pathogenic (PS2_VeryStrong, PM2_Supporting, PS3_Supporting, PP3).

3billion
Classification: Pathogenic for Developmental delay and seizures with or without movement abnormalities. Last evaluated: 2025-08-25. Review status: criteria provided, single submitter. Criteria: ACMG Guidelines, 2015. Collection method: clinical testing. Allele origin: germline. Affected: yes.
Comment: The variant is not observed in the gnomAD v4.1.0 dataset. Predicted Consequence/Location: Missense variant In silico tool predictions suggest damaging effect of the variant on gene or gene product [REVEL: 0.76 (>=0.6, sensitivity 0.68 and specificity 0.92); 3Cnet: 0.99 (> 0.75, sensitivity 0.96 and precision 0.92)]. The same nucleotide change resulting in the same amino acid change has been previously reported as pathogenic/likely pathogenic with strong evidence (ClinVar ID: VCV000451635 /PMID: 29100083 /3billion dataset). The variant has been previously reported as de novo in a similarly affected individual (PMID: 29100083). Different missense changes at the same codon (p.Arg37Cys, p.Arg37Ser) have been reported as pathogenic/likely pathogenic with strong evidence (ClinVar ID: VCV000546177, VCV001214981 /PMID: 34034154 /3billion dataset). Therefore, this variant is classified as Pathogenic according to the recommendation of ACMG/AMP guideline.

Institute of Human Genetics, University of Leipzig Medical Center
Classification: Pathogenic for Developmental delay and seizures with or without movement abnormalities. Last evaluated: 2025-07-11. Review status: criteria provided, single submitter. Criteria: ACMG Guidelines, 2015. Collection method: clinical testing. Allele origin: unknown. Inheritance: Autosomal dominant inheritance. Affected: yes.
Comment: Criteria applied: PS2_VSTR,PS4,PM1,PM2,PM5,PP3

Dasa
Classification: Pathogenic. Last evaluated: 2025-06-29. Review status: criteria provided, single submitter. Criteria: DASA Assertion Criteria. Collection method: clinical testing. Allele origin: germline.
Comment: NM_205861.3(DHDDS):c.110G>A (p.Arg37His) is a missense variant that results in the substitution of arginine with histidine. The affected residue or protein region has prior evidence supporting clinical relevance. De novo occurrence has been reported in an individual with related phenotype. This variant has been recurrently observed in individuals with related phenotype (PMID: 29100083; PMID: 31780880; PMID: 34275143). Multiple computational predictions support a deleterious effect on the gene or gene product. The variant is present at low frequency in population datasets. Based on the available data, this variant is classified as pathogenic.

Division of Genetic & Genomic Pathology, Hong Kong Children's Hospital
Classification: Likely pathogenic for Developmental delay and seizures with or without movement abnormalities. Last evaluated: 2025-06-06. Review status: criteria provided, single submitter. Criteria: ACMG Guidelines, 2015. Collection method: clinical testing. Allele origin: de novo. Affected: yes.
Comment: The missense variant DHDDS c.110G>A p.(Arg37His) is located in exon 3 of the gene. This variant is absent in population control database (gnomAD v4.1.0). It has been reported as a de novo variant in multiple patients with developmental delay and seizures (PMID: 29100083, 31780880, 32654954, 34382076, 36212160, 37356182). It has been deposited in ClinVar with conflicting classifications of pathogenicity, including 6 pathogenic/likely pathogenic submissions and one uncertain significance submission (Accession: VCV000451635.17). In-silico predictions suggest that the variant may be damaging (REVEL score 0.759). Functional study using yeast complementation assay showed that the variant enzyme did not support yeast growth with reduced cis-PTase activity compared to the wild-type enzyme (PMID: 34382076). For these reasons, this variant is classified as likely pathogenic.

GeneDx
Classification: Pathogenic. Last evaluated: 2025-01-08. Review status: criteria provided, single submitter. Criteria: GeneDx Variant Classification Process June 2021. Collection method: clinical testing. Allele origin: germline. Affected: yes.
Comment: Not observed at significant frequency in large population cohorts (gnomAD); In silico analysis supports that this missense variant has a deleterious effect on protein structure/function; This variant is associated with the following publications: (PMID: 33057194, 35982159, 37356182, 38008000, 31780880, 29100083, 32654954, 36212160, 34382076)

Labcorp Genetics (formerly Invitae), Labcorp
Classification: Pathogenic for Retinitis pigmentosa 59. Last evaluated: 2024-06-18. Review status: criteria provided, single submitter. Criteria: Invitae Variant Classification Sherloc (09022015). Collection method: clinical testing. Allele origin: germline.
Comment: This sequence change replaces arginine, which is basic and polar, with histidine, which is basic and polar, at codon 37 of the DHDDS protein (p.Arg37His). This variant is not present in population databases (gnomAD no frequency). This missense change has been observed in individual(s) with autosomal dominant developmental and epileptic encephalopathy (PMID: 29100083, 31780880). In at least one individual the variant was observed to be de novo. ClinVar contains an entry for this variant (Variation ID: 451635). Advanced modeling of protein sequence and biophysical properties (such as structural, functional, and spatial information, amino acid conservation, physicochemical variation, residue mobility, and thermodynamic stability) performed at Invitae indicates that this missense variant is expected to disrupt DHDDS protein function with a positive predictive value of 80%. For these reasons, this variant has been classified as Pathogenic.

Clinical Genetics Laboratory, Skane University Hospital Lund
Classification: Pathogenic. Last evaluated: 2023-01-11. Review status: criteria provided, single submitter. Criteria: ACMG Guidelines, 2015. Collection method: clinical testing. Allele origin: germline. Affected: yes.

Laboratory of Medical Genetics, University of Torino
Classification: Pathogenic for Developmental delay and seizures with or without movement abnormalities. Last evaluated: 2022-11-29. Review status: criteria provided, single submitter. Criteria: ACMG Guidelines, 2015. Collection method: research. Allele origin: germline. Affected: yes. Study: NeuroWES.

Greenwood Genetic Center Diagnostic Laboratories, Greenwood Genetic Center
Classification: Pathogenic for Developmental delay and seizures with or without movement abnormalities. Last evaluated: 2021-12-22. Review status: criteria provided, single submitter. Criteria: ACMG Guidelines, 2015. Collection method: clinical testing. Allele origin: germline. Affected: yes.
Comment: PS2, PS4, PP3, PM2

Institute of Medical Genetics and Applied Genomics, University Hospital Tübingen
Classification: Likely pathogenic. Last evaluated: 2021-02-01. Review status: criteria provided, single submitter. Criteria: ACMG Guidelines, 2015. Collection method: clinical testing. Allele origin: germline. Inheritance: Autosomal dominant inheritance. Affected: yes.

OMIM
Classification: Pathogenic for DEVELOPMENTAL DELAY AND SEIZURES WITH OR WITHOUT MOVEMENT ABNORMALITIES. Last evaluated: 2018-01-24. Review status: no assertion criteria provided. Collection method: literature only. Allele origin: germline. Not counted in ClinVar's aggregate classification.

Literature cited by the submitters: PubMed 34382076 (cited by Prenatal Diagnosis Center, The Second Hospital of Hebei Medical University and Division of Genetic & Genomic Pathology, Hong Kong Children's Hospital); PubMed 34275143 (cited by Prenatal Diagnosis Center, The Second Hospital of Hebei Medical University and Dasa); PubMed 29100083 (cited by 6 submitters); PubMed 33077723 (cited by Prenatal Diagnosis Center, The Second Hospital of Hebei Medical University); PubMed 34034154 (cited by 3billion); PubMed 31780880 (cited by 3 submitters); PubMed 32654954 (cited by Division of Genetic & Genomic Pathology, Hong Kong Children's Hospital); PubMed 36212160 (cited by Division of Genetic & Genomic Pathology, Hong Kong Children's Hospital); PubMed 37356182 (cited by Division of Genetic & Genomic Pathology, Hong Kong Children's Hospital).